The following is an entry in ClinVar:

NM_006514.4(SCN10A):c.4110G>A (p.Met1370Ile)

Gene: SCN10A (sodium voltage-gated channel alpha subunit 10; minus strand). Cytogenetic location: 3p22.2.
Variant type: single nucleotide variant.
Coding change: c.4110G>A on transcript NM_006514.4 (MANE Select); coding-DNA position 4110, G replaced by A.
Protein change: p.Met1370Ile; replaces methionine 1370 with isoleucine.
Molecular consequence: missense variant.
Genome position (GRCh38, 1-based): chr3:38,710,877, C>T on the plus strand (G>A on the coding strand, the complement: SCN10A is on the minus strand). VCF-style: chr3-38710877-C-T. GRCh37 (hg19) VCF-style: chr3-38752368-C-T.
Other names: c.4107G>A, p.Met1369Ile (NM_001293306.2); c.3816G>A, p.Met1272Ile (NM_001293307.2); short protein forms M1370I, M1369I, M1272I.
Identifiers: ClinVar variation 2625764 (VCV002625764.2), dbSNP rs1441740263, ClinGen allele CA352150249.
Genomic context (GRCh38, chr3:38,710,877, plus strand): 5'-CTGTAGGGACAGTGGGCTGAGACTCACCTCCCGGGAATCAACAGCTGCATACATAATGTC[C>T]ATCCAGCCTTTAAAGGTTGCCTGGAGACAAGGAGCAGAGGCCACTCAGTGTCTGCCCATC-3'
Protein context (NP_006505.4, residues 1360-1380): LLQVATFKGW[Met1370Ile]DIMYAAVDSR

ClinVar aggregate classification (germline): Uncertain significance (1 of 4 stars; one submission).

Conditions:
Cardiovascular phenotype. Identifiers: MedGen CN230736.

Allele frequency attached by ClinVar (database versions not stated): gnomAD exomes below 0.00001.

Submission:

Ambry Genetics
Classification: Uncertain significance for Cardiovascular phenotype. Last evaluated: 2023-07-17. Review status: criteria provided, single submitter. Criteria: Ambry Variant Classification Scheme 2023. Collection method: clinical testing. Allele origin: germline.
Comment: The p.M1370I variant (also known as c.4110G>A), located in coding exon 23 of the SCN10A gene, results from a G to A substitution at nucleotide position 4110. The methionine at codon 1370 is replaced by isoleucine, an amino acid with highly similar properties. This amino acid position is highly conserved in available vertebrate species. In addition, this alteration is predicted to be deleterious by in silico analysis. The evidence for this gene-disease relationship is limited; therefore, the clinical significance of this alteration is unclear.